The following is an entry in ClinVar:

ClinVar aggregate classification (germline): Conflicting classifications of pathogenicity. Review status: criteria provided, conflicting classifications (1 of 4 stars). 2 submissions from 2 submitters: Uncertain significance (1); Likely benign (1). Last evaluated 2018-01-13.

Conditions:
Neuronal ceroid lipofuscinosis 3 (CLN3). Identifiers: Orphanet 228346, MedGen C0751383, MONDO:0008767, OMIM 204200.

Allele frequency attached by ClinVar (database versions not stated): TOPMed 0.00003; gnomAD 0.00004; ExAC 0.00005; gnomAD exomes 0.00005; ESP Exome Variant Server 0.00008.
gnomAD v4.1: 33 of 1,610,388 alleles (0.002%); highest among the groups gnomAD compares: Admixed American, 0.0017%; no homozygotes.

Submissions (2):

Illumina Laboratory Services, Illumina
Classification: Uncertain significance for Neuronal ceroid lipofuscinosis 3. Last evaluated: 2018-01-13. Review status: criteria provided, single submitter. Criteria: ICSL Variant Classification Criteria 13 December 2019. Collection method: clinical testing. Allele origin: germline.

GeneDx
Classification: Likely benign. Last evaluated: 2012-08-28. Review status: criteria provided, single submitter. Criteria: GeneDx Variant Classification (06012015). Collection method: clinical testing. Allele origin: germline. Affected: yes.
Comment: This variant is considered likely benign or benign based on one or more of the following criteria: it is a conservative change, it occurs at a poorly conserved position in the protein, it is predicted to be benign by multiple in silico algorithms, and/or has population frequency not consistent with disease.

NM_001042432.2(CLN3):c.-41C>A

Gene: CLN3 (CLN3 lysosomal/endosomal transmembrane protein, battenin; minus strand). Cytogenetic location: 16p12.1.
Variant type: single nucleotide variant.
Coding change: c.-41C>A on transcript NM_001042432.2 (MANE Select); 41 bases upstream of the start codon, C replaced by A.
Molecular consequence: 5 prime UTR variant.
Genome position (GRCh38, 1-based): chr16:28,491,800, G>T on the plus strand (C>A on the coding strand, the complement: CLN3 is on the minus strand). VCF-style: chr16-28491800-G-T. GRCh37 (hg19) VCF-style: chr16-28503121-G-T.
Other names: c.-41C>A (NM_000086.2, NM_001286104.2); c.-182C>A (NM_001286105.2); c.-124C>A (NM_001286109.2, NM_001286110.2).
Identifiers: ClinVar variation 205081 (VCV000205081.5), dbSNP rs370217726, ClinGen allele CA313678.